The following is an entry in ClinVar:

ClinVar aggregate classification (germline): Uncertain significance. Review status: criteria provided, multiple submitters, no conflicts (2 of 4 stars). 3 submissions from 3 submitters: Uncertain significance (3). Last evaluated 2025-08-03.

Conditions:
Charcot-Marie-Tooth disease type 4. Also called: Charcot-Marie-Tooth disease, type IV; Charcot-Marie-Tooth, Type 4. Identifiers: Orphanet 64749, MedGen C4082197, MONDO:0018995.
Inborn genetic diseases. Identifiers: MedGen C0950123, MeSH D030342.

Allele frequency attached by ClinVar (database versions not stated): gnomAD exomes below 0.00001 and 0.00002; gnomAD 0.00003; ExAC 0.00005; TOPMed 0.00010; ESP Exome Variant Server 0.00015; 1000 Genomes Project 30x 0.00016; 1000 Genomes Project 0.00020.
gnomAD v4.1: 11 of 1,600,406 alleles (0.00069%); highest among the groups gnomAD compares: African/African-American, 0.015%; no homozygotes.

Submissions (3):

Ambry Genetics
Classification: Uncertain significance for Inborn genetic diseases. Last evaluated: 2025-08-03. Review status: criteria provided, single submitter. Criteria: Ambry Variant Classification Scheme 2023. Collection method: clinical testing. Allele origin: germline.

Athena Diagnostics
Classification: Uncertain significance. Last evaluated: 2022-12-05. Review status: criteria provided, single submitter. Criteria: Athena Diagnostics Criteria. Collection method: clinical testing. Allele origin: unknown.
Comment: Available data are insufficient to determine the clinical significance of the variant at this time. The frequency of this variant in the general population is uninformative in assessment of its pathogenicity. Computational tools yielded predictions that this variant may interfere with normal RNA splicing.

Labcorp Genetics (formerly Invitae), Labcorp
Classification: Uncertain significance for Charcot-Marie-Tooth disease type 4. Last evaluated: 2021-08-28. Review status: criteria provided, single submitter. Criteria: Invitae Variant Classification Sherloc (09022015). Collection method: clinical testing. Allele origin: germline.
Comment: This sequence change replaces glycine with valine at codon 19 of the SBF2 protein (p.Gly19Val). The glycine residue is moderately conserved and there is a moderate physicochemical difference between glycine and valine. This variant is present in population databases (rs375560902, ExAC 0.06%). This variant has not been reported in the literature in individuals affected with SBF2-related conditions. Algorithms developed to predict the effect of missense changes on protein structure and function are either unavailable or do not agree on the potential impact of this missense change (SIFT: "Deleterious"; PolyPhen-2: "Benign"; Align-GVGD: "Class C0"). Algorithms developed to predict the effect of sequence changes on RNA splicing suggest that this variant may disrupt the consensus splice site. In summary, the available evidence is currently insufficient to determine the role of this variant in disease. Therefore, it has been classified as a Variant of Uncertain Significance.

NM_030962.4(SBF2):c.56G>T (p.Gly19Val)

Gene: SBF2 (SET binding factor 2; minus strand). Cytogenetic location: 11p15.4.
Variant type: single nucleotide variant.
Coding change: c.56G>T on transcript NM_030962.4 (MANE Select); coding-DNA position 56, G replaced by T.
Protein change: p.Gly19Val; replaces glycine 19 with valine.
Molecular consequence: missense variant.
Genome position (GRCh38, 1-based): chr11:10,193,987, C>A on the plus strand (G>T on the coding strand, the complement: SBF2 is on the minus strand). VCF-style: chr11-10193987-C-A. GRCh37 (hg19) VCF-style: chr11-10215534-C-A.
Other names: c.56G>T, p.Gly19Val (NM_001386339.1, NM_001386342.1); short protein forms G19V.
Identifiers: ClinVar variation 943141 (VCV000943141.9), dbSNP rs375560902, ClinGen allele CA5882231.
Genomic context (GRCh38, chr11:10,193,987, plus strand): 5'-GTATCATCCCAGTCCTTCTGTGGAAATCTCTGGATTATTTTCCCCAGACCTTCTCCTGAT[C>A]CTGTTAATAAAATCAAAGTGAATCATTATTATAGGACACTAAAAACTACAAATACTCATT-3'
Protein context (NP_112224.1, residues 9-29): IVVGYDHEKP[Gly19Val]SGEGLGKIIQ